The following is an entry in ClinVar:

NM_001018005.2(TPM1):c.412G>A (p.Glu138Lys)

Gene: TPM1 (tropomyosin 1; plus strand). Cytogenetic location: 15q22.2.
Variant type: single nucleotide variant.
Coding change: c.412G>A on transcript NM_001018005.2 (MANE Select); coding-DNA position 412, G replaced by A.
Protein change: p.Glu138Lys; replaces glutamic acid 138 with lysine.
Molecular consequence: missense variant.
Genome position (GRCh38, 1-based): chr15:63,059,600, G>A. VCF-style: chr15-63059600-G-A. GRCh37 (hg19) VCF-style: chr15-63351799-G-A.
Other names: c.412G>A, p.Glu138Lys (NM_000366.6, NM_001018004.2, NM_001018006.2 and 6 more transcripts); c.304G>A, p.Glu102Lys (NM_001018008.2, NM_001301289.2, NM_001330344.2 and 5 more transcripts); c.538G>A, p.Glu180Lys (NM_001365778.1); short protein forms E102K, E138K, E180K.
Identifiers: ClinVar variation 242912 (VCV000242912.2), dbSNP rs879253758, ClinGen allele CA10584024.
Genomic context (GRCh38, chr15:63,059,600, plus strand): 5'-TTCTTGCTTGTCTTTCTTTTCAGAGGCATGAAAGTCATTGAGAGTCGAGCCCAAAAAGAT[G>A]AAGAAAAAATGGAAATTCAGGAGATCCAACTGAAAGAGGCCAAGCACATTGCTGAAGATG-3'
Protein context (NP_001018005.1, residues 128-148): KVIESRAQKD[Glu138Lys]EKMEIQEIQL

ClinVar aggregate classification (germline): Likely pathogenic (1 of 4 stars; one submission).

Conditions:
Effort-induced polymorphic ventricular tachycardia. Also called: Effort-induced polymorphic ventricular tachycardias. Identifiers: MedGen C4025298, HP:0004758.

Submission:

Center of Genomic medicine, Geneva, University Hospital of Geneva
Classification: Likely pathogenic for Effort-induced polymorphic ventricular tachycardia. Last evaluated: 2015-05-26. Review status: criteria provided, single submitter. Criteria: ACMG Guidelines, 2015. Collection method: clinical testing. Allele origin: de novo. Affected: yes. Study: Final Reports_Cases2015_1.